The following is an entry in ClinVar:

NM_013432.5(TONSL):c.3094C>T (p.Gln1032Ter)

Gene: TONSL (tonsoku like, DNA repair protein; minus strand). Cytogenetic location: 8q24.3.
Variant type: single nucleotide variant.
Coding change: c.3094C>T on transcript NM_013432.5 (MANE Select); coding-DNA position 3094, C replaced by T.
Protein change: p.Gln1032Ter; replaces glutamine 1032 with a stop codon.
Molecular consequence: nonsense.
Genome position (GRCh38, 1-based): chr8:144,434,271, G>A on the plus strand (C>T on the coding strand, the complement: TONSL is on the minus strand). VCF-style: chr8-144434271-G-A. GRCh37 (hg19) VCF-style: chr8-145659654-G-A.
Other names: short protein forms Q1032*.
Identifiers: ClinVar variation 4854699 (VCV004854699.1).
Genomic context (GRCh38, chr8:144,434,271, plus strand): 5'-GGGAGCAGGCGCTGAACGAGAGGCCCAAGCCCTGGAGCTCCACGGCCTGCAGCACCTGTT[G>A]GTGCTCCCCTGCGGGAGGGATGTGATGTCACCAGGGTAAGGCCGGCCCTTTCTGCCCTCT-3'

ClinVar aggregate classification (germline): Likely pathogenic (1 of 4 stars; one submission).

Conditions:
Sponastrime dysplasia. Also called: SPONDYLAR AND NASAL ALTERATIONS WITH STRIATED METAPHYSES. Identifiers: Orphanet 93357, MedGen C1300260, MONDO:0010068, OMIM 271510.

gnomAD v4.1: 2 of 1,509,040 alleles (0.00013%); highest among the groups gnomAD compares: Non-Finnish European, 0.00018%; no homozygotes.

Submission:

3billion
Classification: Likely pathogenic for Sponastrime dysplasia. Last evaluated: 2025-05-16. Review status: criteria provided, single submitter. Criteria: ACMG Guidelines, 2015. Collection method: clinical testing. Allele origin: germline. Affected: yes.
Comment: The variant is observed at an extremely low frequency in the gnomAD v4.1.0 dataset (total allele frequency: <0.001%). Predicted Consequence/Location: Stop-gained (nonsense): predicted to result in a loss or disruption of normal protein function through nonsense-mediated decay (NMD) or protein truncation. Multiple pathogenic variants are reported downstream of the variant. Therefore, this variant is classified as Likely pathogenic according to the recommendation of ACMG/AMP guideline.